The following is an entry in ClinVar:

ClinVar aggregate classification (germline): Uncertain significance (1 of 4 stars; one submission).

Conditions:
Hypertrophic cardiomyopathy. Also called: HYPERTROPHIC MYOCARDIOPATHY. Identifiers: Orphanet 217569, MedGen C0007194, MeSH D002312, MONDO:0005045, HP:0001639.

Submission:

Labcorp Genetics (formerly Invitae), Labcorp
Classification: Uncertain significance for Hypertrophic cardiomyopathy. Last evaluated: 2023-10-04. Review status: criteria provided, single submitter. Criteria: Invitae Variant Classification Sherloc (09022015). Collection method: clinical testing. Allele origin: germline.
Comment: This sequence change replaces glycine, which is neutral and non-polar, with aspartic acid, which is acidic and polar, at codon 203 of the TNNI3 protein (p.Gly203Asp). This variant is not present in population databases (gnomAD no frequency). This variant has not been reported in the literature in individuals affected with TNNI3-related conditions. ClinVar contains an entry for this variant (Variation ID: 2107194). An algorithm developed to predict the effect of missense changes on protein structure and function (PolyPhen-2) suggests that this variant is likely to be disruptive. In summary, the available evidence is currently insufficient to determine the role of this variant in disease. Therefore, it has been classified as a Variant of Uncertain Significance.

NM_000363.5(TNNI3):c.608G>A (p.Gly203Asp)

Gene: TNNI3 (troponin I3, cardiac type; minus strand). Cytogenetic location: 19q13.42.
Variant type: single nucleotide variant.
Coding change: c.608G>A on transcript NM_000363.5 (MANE Select); coding-DNA position 608, G replaced by A.
Protein change: p.Gly203Asp; replaces glycine 203 with aspartic acid.
Molecular consequence: missense variant.
Genome position (GRCh38, 1-based): chr19:55,151,859, C>T on the plus strand (G>A on the coding strand, the complement: TNNI3 is on the minus strand). VCF-style: chr19-55151859-C-T. GRCh37 (hg19) VCF-style: chr19-55663227-C-T.
Other names: short protein forms G203D.
Identifiers: ClinVar variation 2107194 (VCV002107194.4), dbSNP rs2515495740, ClinGen allele CA407439469.